The following is an entry in ClinVar:

NM_001042492.3(NF1):c.4208del (p.Gly1403fs)

Gene: NF1 (neurofibromin 1; plus strand). Cytogenetic location: 17q11.2.
Variant type: Deletion.
Coding change: c.4208del on transcript NM_001042492.3 (MANE Select); coding-DNA position 4208, one base deleted (G; older notation c.4208delG).
Protein change: p.Gly1403fs; shifts the reading frame from glycine 1403.
Molecular consequence: frameshift variant.
Genome position (GRCh38, 1-based): chr17:31,258,378, G deleted; the last of 2 consecutive G bases (chr17:31,258,377-31,258,378); deleting either gives the same sequence. VCF-style (leftmost placement, unchanged base first): chr17-31258376-CG-C. GRCh37 (hg19) VCF-style: chr17-29585394-CG-C.
Other names: c.4145delG, p.Gly1382Valfs (NM_000267.4); c.4145delG (NM_000267.3); short protein forms G1382fs, G1403fs.
Identifiers: ClinVar variation 996391 (VCV000996391.7), dbSNP rs2067621019, ClinGen allele CA2255573420.

ClinVar aggregate classification (germline): Pathogenic/Likely pathogenic. Review status: criteria provided, multiple submitters, no conflicts (2 of 4 stars). 3 submissions from 3 submitters: Pathogenic (2); Likely pathogenic (1). Last evaluated 2024-12-17.

Conditions:
Hereditary cancer-predisposing syndrome. Also called: Neoplastic Syndromes, Hereditary; Hereditary neoplastic syndrome; Hereditary Cancer Syndrome; Tumor predisposition. Identifiers: Orphanet 140162, MedGen C0027672, MeSH D009386, MONDO:0015356.
Cardiovascular phenotype. Identifiers: MedGen CN230736.
Neurofibromatosis, type 1 (NF1). Also called: Neurofibromatosis, type I; VON RECKLINGHAUSEN DISEASE; NEUROFIBROMATOSIS, TYPE I, SOMATIC; Peripheral type neurofibromatosis. Identifiers: Orphanet 636, MedGen C0027831, MONDO:0018975, OMIM 162200. Disease mechanism: loss of function.

Submissions (3):

Labcorp Genetics (formerly Invitae), Labcorp
Classification: Pathogenic for Neurofibromatosis, type 1. Last evaluated: 2024-12-17. Review status: criteria provided, single submitter. Criteria: Invitae Variant Classification Sherloc (09022015). Collection method: clinical testing. Allele origin: germline.
Comment: This sequence change creates a premature translational stop signal (p.Gly1382Valfs*3) in the NF1 gene. It is expected to result in an absent or disrupted protein product. Loss-of-function variants in NF1 are known to be pathogenic (PMID: 10712197, 23913538). This variant is not present in population databases (gnomAD no frequency). This variant has not been reported in the literature in individuals affected with NF1-related conditions. ClinVar contains an entry for this variant (Variation ID: 996391). For these reasons, this variant has been classified as Pathogenic.

Ambry Genetics
Classification: Pathogenic for Cardiovascular phenotype; Hereditary cancer-predisposing syndrome. Last evaluated: 2022-05-13. Review status: criteria provided, single submitter. Criteria: Ambry Variant Classification Scheme 2023. Collection method: clinical testing. Allele origin: germline.
Comment: The c.4145delG pathogenic mutation, located in coding exon 31 of the NF1 gene, results from a deletion of one nucleotide at nucleotide position 4145, causing a translational frameshift with a predicted alternate stop codon (p.G1382Vfs*3). This alteration is expected to result in loss of function by premature protein truncation or nonsense-mediated mRNA decay. As such, this alteration is interpreted as a disease-causing mutation.

Genome Diagnostics Laboratory, The Hospital for Sick Children
Classification: Likely pathogenic for Neurofibromatosis, type 1. Last evaluated: 2020-10-26. Review status: criteria provided, single submitter. Criteria: ACMG Guidelines, 2015. Collection method: clinical testing. Allele origin: germline. Affected: yes.

Literature cited by the submitters: PubMed 10712197 (cited by Labcorp Genetics (formerly Invitae), Labcorp); PubMed 23913538 (cited by Labcorp Genetics (formerly Invitae), Labcorp).